The following is an entry in ClinVar:

NM_001211.6(BUB1B):c.224T>G (p.Leu75Arg)

Gene: BUB1B (BUB1 mitotic checkpoint serine/threonine kinase B; plus strand). Cytogenetic location: 15q15.1.
Variant type: single nucleotide variant.
Coding change: c.224T>G on transcript NM_001211.6 (MANE Select); coding-DNA position 224, T replaced by G.
Protein change: p.Leu75Arg; replaces leucine 75 with arginine.
Molecular consequence: missense variant.
Genome position (GRCh38, 1-based): chr15:40,170,106, T>G. VCF-style: chr15-40170106-T-G. GRCh37 (hg19) VCF-style: chr15-40462307-T-G.
Other names: short protein forms L75R.
Identifiers: ClinVar variation 3993716 (VCV003993716.1).

ClinVar aggregate classification (germline): Uncertain significance (1 of 4 stars; one submission).

Conditions:
Inborn genetic diseases. Identifiers: MedGen C0950123, MeSH D030342.

Submission:

Ambry Genetics
Classification: Uncertain significance for Inborn genetic diseases. Last evaluated: 2025-05-04. Review status: criteria provided, single submitter. Criteria: Ambry Variant Classification Scheme 2023. Collection method: clinical testing. Allele origin: germline.
Comment: The p.L75R variant (also known as c.224T>G), located in coding exon 3 of the BUB1B gene, results from a T to G substitution at nucleotide position 224. The leucine at codon 75 is replaced by arginine, an amino acid with dissimilar properties. This amino acid position is conserved. In addition, this alteration is predicted to be deleterious by in silico analysis. Based on the available evidence, the clinical significance of this variant remains unclear.